The following is an entry in ClinVar:

ClinVar aggregate classification (germline): Uncertain significance (1 of 4 stars; one submission).

Conditions:
Netherton syndrome (NETH). Also called: ERYTHRODERMA, ICHTHYOSIFORM, WITH HYPOTRICHOSIS AND HYPER-IgE; COMEL-NETHERTON SYNDROME; NETHERTON DISEASE. Identifiers: Orphanet 634, MedGen C5574950, MONDO:0009735, OMIM 256500.

Submission:

Labcorp Genetics (formerly Invitae), Labcorp
Classification: Uncertain significance for Ichthyosis linearis circumflexa. Last evaluated: 2021-08-11. Review status: criteria provided, single submitter. Criteria: Invitae Variant Classification Sherloc (09022015). Collection method: clinical testing. Allele origin: germline.
Comment: This variant results in a copy number gain of the genomic region encompassing exons 5-22 of the SPINK5 gene. While the exact position of this variant cannot be determined from this data, sub-genic copy number gains are generally in tandem (PMID: 25640679). This variant would be expected to be in-frame, preserving the integrity of the reading frame. This variant has not been reported in the literature in individuals with SPINK5-related conditions. Experimental studies and prediction algorithms are not available or were not evaluated, and the functional significance of this variant is currently unknown. In summary, the available evidence is currently insufficient to determine the role of this variant in disease. Therefore, it has been classified as a Variant of Uncertain Significance.

Literature cited by the submitters: PubMed 25640679.

NC_000005.10:g.(?_148086385)_(148116486_?)dup

Gene: SPINK5 (serine peptidase inhibitor Kazal type 5; plus strand). Cytogenetic location: 5q32.
Variant type: Duplication.
Identifiers: ClinVar variation 832172 (VCV000832172.6).